The following is an entry in ClinVar:

NM_001042492.3(NF1):c.5780T>C (p.Leu1927Ser)

Gene: NF1 (neurofibromin 1; plus strand). Cytogenetic location: 17q11.2.
Variant type: single nucleotide variant.
Coding change: c.5780T>C on transcript NM_001042492.3 (MANE Select); coding-DNA position 5780, T replaced by C.
Protein change: p.Leu1927Ser; replaces leucine 1927 with serine.
Molecular consequence: missense variant.
Genome position (GRCh38, 1-based): chr17:31,330,466, T>C. VCF-style: chr17-31330466-T-C. GRCh37 (hg19) VCF-style: chr17-29657484-T-C.
Other names: c.5717T>C, p.Leu1906Ser (NM_000267.4); short protein forms L1906S, L1927S.
Identifiers: ClinVar variation 3634576 (VCV003634576.2).
Genomic context (GRCh38, chr17:31,330,466, plus strand): 5'-TTATTGTCTCTATTAGTAAGACACTGGCAGCCAATGAGCCACACCTCACGTTAGAATTTT[T>C]GGAAGAGTGTATTTCTGGATTTAGCAAATCTAGTAAGTAATGATAATTTTCTTTAATACT-3'
Protein context (NP_001035957.1, residues 1917-1937): ANEPHLTLEF[Leu1927Ser]EECISGFSKS

ClinVar aggregate classification (germline): Uncertain significance (1 of 4 stars; one submission).

Conditions:
Neurofibromatosis, type 1 (NF1). Also called: VON RECKLINGHAUSEN DISEASE; Peripheral type neurofibromatosis; NEUROFIBROMATOSIS, TYPE I, SOMATIC; Neurofibromatosis, type I. Identifiers: Orphanet 636, MedGen C0027831, MONDO:0018975, OMIM 162200. Disease mechanism: loss of function.

Submission:

Labcorp Genetics (formerly Invitae), Labcorp
Classification: Uncertain significance for Neurofibromatosis, type 1. Last evaluated: 2024-03-27. Review status: criteria provided, single submitter. Criteria: Invitae Variant Classification Sherloc (09022015). Collection method: clinical testing. Allele origin: germline.
Comment: This sequence change replaces leucine, which is neutral and non-polar, with serine, which is neutral and polar, at codon 1906 of the NF1 protein (p.Leu1906Ser). This variant is not present in population databases (gnomAD no frequency). This variant has not been reported in the literature in individuals affected with NF1-related conditions. Advanced modeling of protein sequence and biophysical properties (such as structural, functional, and spatial information, amino acid conservation, physicochemical variation, residue mobility, and thermodynamic stability) performed at Invitae indicates that this missense variant is expected to disrupt NF1 protein function with a positive predictive value of 95%. In summary, the available evidence is currently insufficient to determine the role of this variant in disease. Therefore, it has been classified as a Variant of Uncertain Significance.